The following is an entry in ClinVar:

ClinVar aggregate classification (germline): Uncertain significance (1 of 4 stars; one submission).

Allele frequency attached by ClinVar (database versions not stated): ExAC 0.00001; gnomAD exomes 0.00001; gnomAD 0.00003.
gnomAD v4.1: 25 of 1,598,260 alleles (0.0016%); highest among the groups gnomAD compares: Admixed American, 0.0069%; no homozygotes.

Submission:

Labcorp Genetics (formerly Invitae), Labcorp
Classification: Uncertain significance. Last evaluated: 2024-05-29. Review status: criteria provided, single submitter. Criteria: Invitae Variant Classification Sherloc (09022015). Collection method: clinical testing. Allele origin: germline.
Comment: This sequence change replaces arginine, which is basic and polar, with histidine, which is basic and polar, at codon 399 of the INTU protein (p.Arg399His). This variant is present in population databases (rs773031563, gnomAD 0.01%). This variant has not been reported in the literature in individuals affected with INTU-related conditions. Advanced modeling of protein sequence and biophysical properties (such as structural, functional, and spatial information, amino acid conservation, physicochemical variation, residue mobility, and thermodynamic stability) performed at Invitae indicates that this missense variant is not expected to disrupt INTU protein function with a negative predictive value of 80%. In summary, the available evidence is currently insufficient to determine the role of this variant in disease. Therefore, it has been classified as a Variant of Uncertain Significance.

NM_015693.4(INTU):c.1196G>A (p.Arg399His)

Gene: INTU (inturned planar cell polarity protein; plus strand). Cytogenetic location: 4q28.1.
Variant type: single nucleotide variant.
Coding change: c.1196G>A on transcript NM_015693.4 (MANE Select); coding-DNA position 1196, G replaced by A.
Protein change: p.Arg399His; replaces arginine 399 with histidine.
Molecular consequence: missense variant.
Genome position (GRCh38, 1-based): chr4:127,684,423, G>A. VCF-style: chr4-127684423-G-A. GRCh37 (hg19) VCF-style: chr4-128605578-G-A.
Other names: short protein forms R399H.
Identifiers: ClinVar variation 2898083 (VCV002898083.3), dbSNP rs773031563, ClinGen allele CA3074998.
Genomic context (GRCh38, chr4:127,684,423, plus strand): 5'-CATTTGATTATGTTGTAAATTAATACGTGTAATTTTGCTTTTTTAGAGTTCCTCTTCCTC[G>A]TCTAAGGAACATGATAGAAAATGTCATCCAAACCTTAAAATTTATGTATGGTTCTTTAGA-3'
Protein context (NP_056508.2, residues 389-409): GLPAEEVPLP[Arg399His]LRNMIENVIQ